The following is an entry in ClinVar:

ClinVar aggregate classification (germline): Conflicting classifications of pathogenicity. Review status: criteria provided, conflicting classifications (1 of 4 stars). 6 submissions from 6 submitters: Uncertain significance (1); Benign (1); Likely benign (3). 1 of the submissions does not count toward it. Last evaluated 2025-12-01.

Conditions:
Familial GGE.
Inborn genetic diseases. Identifiers: MedGen C0950123, MeSH D030342.
Developmental and epileptic encephalopathy, 9 (DEE9). Also called: EPILEPSY, FEMALE-RESTRICTED, WITH MENTAL RETARDATION; PCDH19-Related X-Linked Female-Limited Epilepsy with Mental Retardation; Early infantile epileptic encephalopathy 9; JUBERG-HELLMAN SYNDROME. Identifiers: Orphanet 101039, Orphanet 2076, MedGen C1848137, MONDO:0010246, OMIM 300088. Disease mechanism: loss of function.

Allele frequency attached by ClinVar (database versions not stated): gnomAD exomes 0.00024 and 0.00011; ESP Exome Variant Server 0.00039; ExAC 0.00009; gnomAD 0.00009 and 0.00010; TOPMed 0.00021.
gnomAD v4.1: 276 of 1,210,537 alleles (0.023%); highest among the groups gnomAD compares: Non-Finnish European, 0.029%; no homozygotes.

Submissions (6):

CeGaT Center for Human Genetics Tuebingen
Classification: Likely benign. Last evaluated: 2025-12-01. Review status: criteria provided, single submitter. Criteria: CeGaT Center For Human Genetics Tuebingen Variant Classification Criteria Version 2. Collection method: clinical testing. Allele origin: germline. Affected: yes. Observed: 3 variant alleles.
Comment: PCDH19: PM5, BS2

Labcorp Genetics (formerly Invitae), Labcorp
Classification: Uncertain significance for Developmental and epileptic encephalopathy, 9. Last evaluated: 2025-09-26. Review status: criteria provided, single submitter. Criteria: Invitae Variant Classification Sherloc (09022015). Collection method: clinical testing. Allele origin: germline.
Comment: This sequence change replaces valine, which is neutral and non-polar, with leucine, which is neutral and non-polar, at codon 441 of the PCDH19 protein (p.Val441Leu). This variant is present in population databases (rs200126728, gnomAD 0.02%). This variant has not been reported in the literature in individuals affected with PCDH19-related conditions. ClinVar contains an entry for this variant (Variation ID: 206366). Invitae Evidence Modeling of protein sequence and biophysical properties (such as structural, functional, and spatial information, amino acid conservation, physicochemical variation, residue mobility, and thermodynamic stability) indicates that this missense variant is expected to disrupt PCDH19 protein function with a positive predictive value of 80%. Experimental studies are conflicting or provide insufficient evidence to determine the effect of this variant on PCDH19 function (PMID: 34082468). This variant disrupts the p.Val441 amino acid residue in PCDH19. Other variant(s) that disrupt this residue have been determined to be pathogenic (PMID: 18234694, 18469813). This suggests that this residue is clinically significant, and that variants that disrupt this residue are likely to be disease-causing. In summary, the available evidence is currently insufficient to determine the role of this variant in disease. Therefore, it has been classified as a Variant of Uncertain Significance.

Blueprint Genetics
Classification: Likely benign. Last evaluated: 2024-06-14. Review status: criteria provided, single submitter. Criteria: ACMG Guidelines, 2015. Collection method: clinical testing. Allele origin: germline.

GeneDx
Classification: Likely benign. Last evaluated: 2020-08-18. Review status: criteria provided, single submitter. Criteria: GeneDx Variant Classification Process June 2021. Collection method: clinical testing. Allele origin: germline. Affected: yes.
Comment: This variant is associated with the following publications: (PMID: 27861786)

Ambry Genetics
Classification: Benign for Inborn genetic diseases. Last evaluated: 2017-12-15. Review status: criteria provided, single submitter. Criteria: Ambry Variant Classification Scheme 2023. Collection method: clinical testing. Allele origin: germline.

Neurogenetics Research Program, University of Adelaide
Classification: Likely benign for Familial GGE. Last evaluated: 2019-12-20. Review status: no assertion criteria provided. Collection method: research. Allele origin: unknown. Affected: yes. Not counted in ClinVar's aggregate classification.

Literature cited by the submitters: PubMed 34082468 (cited by Labcorp Genetics (formerly Invitae), Labcorp); PubMed 18234694 (cited by Labcorp Genetics (formerly Invitae), Labcorp); PubMed 18469813 (cited by Labcorp Genetics (formerly Invitae), Labcorp).

NM_001184880.2(PCDH19):c.1321G>C (p.Val441Leu)

Gene: PCDH19 (protocadherin 19; minus strand). Cytogenetic location: Xq22.1.
Variant type: single nucleotide variant.
Coding change: c.1321G>C on transcript NM_001184880.2 (MANE Select); coding-DNA position 1321, G replaced by C.
Protein change: p.Val441Leu; replaces valine 441 with leucine.
Molecular consequence: missense variant.
Genome position (GRCh38, 1-based): chrX:100,407,277, C>G on the plus strand (G>C on the coding strand, the complement: PCDH19 is on the minus strand). VCF-style: chrX-100407277-C-G. GRCh37 (hg19) VCF-style: chrX-99662275-C-G.
Other names: p.V441L:GTG>CTG; c.1321G>C, p.Val441Leu (NM_001105243.2, NM_020766.3); short protein forms V441L.
Identifiers: ClinVar variation 206366 (VCV000206366.40), dbSNP rs200126728, ClinGen allele CA316423.